The following is an entry in ClinVar:

ClinVar aggregate classification (germline): Likely benign. Review status: criteria provided, multiple submitters, no conflicts (2 of 4 stars). 2 submissions from 2 submitters: Likely benign (2). Last evaluated 2025-11-26.

Conditions:
Dilated cardiomyopathy 1G (CMD1G). Identifiers: Orphanet 154, MedGen C1858763, MONDO:0011400, OMIM 604145.
Autosomal recessive limb-girdle muscular dystrophy type 2J (LGMDR10). Also called: MUSCULAR DYSTROPHY, LIMB-GIRDLE, AUTOSOMAL RECESSIVE 10; Limb-girdle muscular dystrophy, type 2J. Identifiers: Orphanet 140922, MedGen C1837342, MONDO:0012127, OMIM 608807.

Allele frequency attached by ClinVar (database versions not stated): gnomAD exomes below 0.00001 and 0.00002; ExAC 0.00003; gnomAD 0.00006; TOPMed 0.00009.
gnomAD v4.1: 16 of 1,608,338 alleles (0.00099%); highest among the groups gnomAD compares: African/African-American, 0.017%; no homozygotes.

Submissions (2):

Labcorp Genetics (formerly Invitae), Labcorp
Classification: Likely benign for Dilated cardiomyopathy 1G; Autosomal recessive limb-girdle muscular dystrophy type 2J. Last evaluated: 2025-11-26. Review status: criteria provided, single submitter. Criteria: Invitae Variant Classification Sherloc (09022015). Collection method: clinical testing. Allele origin: germline.

GeneDx
Classification: Likely benign. Last evaluated: 2018-03-08. Review status: criteria provided, single submitter. Criteria: GeneDx Variant Classification (06012015). Collection method: clinical testing. Allele origin: germline. Affected: yes.
Comment: This variant is considered likely benign or benign based on one or more of the following criteria: it is a conservative change, it occurs at a poorly conserved position in the protein, it is predicted to be benign by multiple in silico algorithms, and/or has population frequency not consistent with disease.

NM_001267550.2(TTN):c.21961+17T>C

Gene: TTN (titin; minus strand). Cytogenetic location: 2q31.2.
Variant type: single nucleotide variant.
Coding change: c.21961+17T>C on transcript NM_001267550.2 (MANE Select); 17 bases into the intron after coding-DNA position 21961, T replaced by C.
Molecular consequence: intron variant.
Genome position (GRCh38, 1-based): chr2:178,723,029, A>G on the plus strand (T>C on the coding strand, the complement: TTN is on the minus strand). VCF-style: chr2-178723029-A-G. GRCh37 (hg19) VCF-style: chr2-179587756-A-G.
Other names: c.13282+15053T>C (NM_003319.4); c.13858+15053T>C (NM_133437.4); c.13657+15053T>C (NM_133432.3); c.18229+17T>C (NM_133378.4); c.21010+17T>C (NM_001256850.1).
Identifiers: ClinVar variation 680422 (VCV000680422.9), dbSNP rs778923336, ClinGen allele CA2000924.